The following is an entry in ClinVar:

NM_004273.5(CHST3):c.723dup (p.Phe242fs)

Gene: CHST3 (carbohydrate sulfotransferase 3; plus strand). Cytogenetic location: 10q22.1.
Variant type: Duplication.
Coding change: c.723dup on transcript NM_004273.5 (MANE Select); coding-DNA position 723, one base duplicated (C; older notation c.723dupC).
Protein change: p.Phe242fs; shifts the reading frame from phenylalanine 242.
Molecular consequence: frameshift variant.
Genome position (GRCh38, 1-based): chr10:72,007,754, C duplicated. VCF-style (leftmost placement, unchanged base first): chr10-72007753-T-TC. GRCh37 (hg19) VCF-style: chr10-73767511-T-TC.
Other names: c.723dup, p.Phe242fs (NM_001441201.1, NM_001441202.1); short protein forms F242fs.
Identifiers: ClinVar variation 4742464 (VCV004742464.1).
Genomic context (GRCh38, chr10:72,007,753, plus strand): 5'-GCCGGGGCTCCAGCCGCTCCCTGTGCGAGGACCCCGTCTGTACGCCCTTCGTCAAGAAGG[T>TC]CTTCGAGAAGTACCACTGCAAGAACCGCCGCTGCGGCCCCCTCAACGTGACGCTGGCCGC-3'

ClinVar aggregate classification (germline): Pathogenic (1 of 4 stars; one submission).

Conditions:
Spondyloepiphyseal dysplasia with congenital joint dislocations (SEDCJD). Also called: Chondrodysplasia with Congenital Joint Dislocations, CHST3-Related. Identifiers: Orphanet 263463, MedGen C1837657, MONDO:0007738, OMIM 143095.

Submission:

Labcorp Genetics (formerly Invitae), Labcorp
Classification: Pathogenic for Spondyloepiphyseal dysplasia with congenital joint dislocations. Last evaluated: 2025-10-26. Review status: criteria provided, single submitter. Criteria: Invitae Variant Classification Sherloc (09022015). Collection method: clinical testing. Allele origin: germline.
Comment: This sequence change creates a premature translational stop signal (p.Phe242Leufs*78) in the CHST3 gene. While this is not anticipated to result in nonsense mediated decay, it is expected to disrupt the last 238 amino acid(s) of the CHST3 protein. This variant is not present in population databases (gnomAD no frequency). This variant has not been reported in the literature in individuals affected with CHST3-related conditions. This variant disrupts a region of the CHST3 protein in which other variant(s) (p.Gly253Ser) have been determined to be pathogenic (PMID: 36503918; internal data). This suggests that this is a clinically significant region of the protein, and that variants that disrupt it are likely to be disease-causing. For these reasons, this variant has been classified as Pathogenic.

Literature cited by the submitters: PubMed 36503918.